The following is an entry in ClinVar:

NM_000218.3(KCNQ1):c.721G>T (p.Val241Phe)

Gene: KCNQ1 (potassium voltage-gated channel subfamily Q member 1; plus strand). Cytogenetic location: 11p15.5.
Variant type: single nucleotide variant.
Coding change: c.721G>T on transcript NM_000218.3 (MANE Select); coding-DNA position 721, G replaced by T.
Protein change: p.Val241Phe; replaces valine 241 with phenylalanine.
Molecular consequence: missense variant.
Genome position (GRCh38, 1-based): chr11:2,572,050, G>T. VCF-style: chr11-2572050-G-T. GRCh37 (hg19) VCF-style: chr11-2593280-G-T.
Other names: c.721G>T, p.Val241Phe (NM_001406836.1); c.451G>T, p.Val151Phe (NM_001406837.1); c.340G>T, p.Val114Phe (NM_181798.2); short protein forms V114F, V241F, V151F.
Identifiers: ClinVar variation 405255 (VCV000405255.10), dbSNP rs199956744, ClinGen allele CA16613302.

ClinVar aggregate classification (germline): Likely pathogenic (1 of 4 stars; one submission).

Conditions:
Long QT syndrome (LQTS). Identifiers: MedGen C0023976, MeSH D008133, MONDO:0002442. Disease mechanism: loss of function. Inheritance: Various modes of inheritance.

Submission:

Labcorp Genetics (formerly Invitae), Labcorp
Classification: Likely pathogenic for Long QT syndrome. Last evaluated: 2023-04-24. Review status: criteria provided, single submitter. Criteria: Invitae Variant Classification Sherloc (09022015). Collection method: clinical testing. Allele origin: germline.
Comment: Experimental studies have shown that this missense change affects KCNQ1 function (PMID: 23989646, 33600800). In summary, the currently available evidence indicates that the variant is pathogenic, but additional data are needed to prove that conclusively. Therefore, this variant has been classified as Likely Pathogenic. Advanced modeling of protein sequence and biophysical properties (such as structural, functional, and spatial information, amino acid conservation, physicochemical variation, residue mobility, and thermodynamic stability) performed at Invitae indicates that this missense variant is expected to disrupt KCNQ1 protein function. ClinVar contains an entry for this variant (Variation ID: 405255). This missense change has been observed in individual(s) with atrial fibrillation and bradycardia (PMID: 23989646). It has also been observed to segregate with disease in related individuals. This variant is not present in population databases (gnomAD no frequency). This sequence change replaces valine, which is neutral and non-polar, with phenylalanine, which is neutral and non-polar, at codon 241 of the KCNQ1 protein (p.Val241Phe).

Literature cited by the submitters: PubMed 23989646; PubMed 33600800.